The following is an entry in ClinVar:

NM_000094.4(COL7A1):c.122T>A (p.Phe41Tyr)

Gene: COL7A1 (collagen type VII alpha 1 chain; minus strand). Cytogenetic location: 3p21.31.
Variant type: single nucleotide variant.
Coding change: c.122T>A on transcript NM_000094.4 (MANE Select); coding-DNA position 122, T replaced by A.
Protein change: p.Phe41Tyr; replaces phenylalanine 41 with tyrosine.
Molecular consequence: missense variant.
Genome position (GRCh38, 1-based): chr3:48,594,512, A>T on the plus strand (T>A on the coding strand, the complement: COL7A1 is on the minus strand). VCF-style: chr3-48594512-A-T. GRCh37 (hg19) VCF-style: chr3-48631945-A-T.
Other names: short protein forms F41Y.
Identifiers: ClinVar variation 2418006 (VCV002418006.4), dbSNP rs1229666551, ClinGen allele CA352749854.

ClinVar aggregate classification (germline): Uncertain significance. Review status: criteria provided, multiple submitters, no conflicts (2 of 4 stars). 2 submissions from 2 submitters: Uncertain significance (2). Last evaluated 2026-04-14.

Conditions:
Inborn genetic diseases. Identifiers: MedGen C0950123, MeSH D030342.

Allele frequency attached by ClinVar (database versions not stated): gnomAD exomes below 0.00001.
gnomAD v4.1: 2 of 1,611,670 alleles (0.00012%); highest among the groups gnomAD compares: Admixed American, 0.0017%; no homozygotes.

Submissions (2):

Ambry Genetics
Classification: Uncertain significance for Inborn genetic diseases. Last evaluated: 2026-04-14. Review status: criteria provided, single submitter. Criteria: Ambry Variant Classification Scheme 2023. Collection method: clinical testing. Allele origin: germline.

Labcorp Genetics (formerly Invitae), Labcorp
Classification: Uncertain significance. Last evaluated: 2022-09-15. Review status: criteria provided, single submitter. Criteria: Invitae Variant Classification Sherloc (09022015). Collection method: clinical testing. Allele origin: germline.
Comment: This sequence change replaces phenylalanine, which is neutral and non-polar, with tyrosine, which is neutral and polar, at codon 41 of the COL7A1 protein (p.Phe41Tyr). This variant is present in population databases (no rsID available, gnomAD 0.003%). This variant has not been reported in the literature in individuals affected with COL7A1-related conditions. Advanced modeling of protein sequence and biophysical properties (such as structural, functional, and spatial information, amino acid conservation, physicochemical variation, residue mobility, and thermodynamic stability) performed at Invitae indicates that this missense variant is expected to disrupt COL7A1 protein function. In summary, the available evidence is currently insufficient to determine the role of this variant in disease. Therefore, it has been classified as a Variant of Uncertain Significance.